The following is an entry in ClinVar:

NM_006939.4(SOS2):c.224A>G (p.Gln75Arg)

Gene: SOS2 (SOS Ras/Rho guanine nucleotide exchange factor 2; minus strand). Cytogenetic location: 14q21.3.
Variant type: single nucleotide variant.
Coding change: c.224A>G on transcript NM_006939.4 (MANE Select); coding-DNA position 224, A replaced by G.
Protein change: p.Gln75Arg; replaces glutamine 75 with arginine.
Molecular consequence: missense variant.
Genome position (GRCh38, 1-based): chr14:50,201,074, T>C on the plus strand (A>G on the coding strand, the complement: SOS2 is on the minus strand). VCF-style: chr14-50201074-T-C. GRCh37 (hg19) VCF-style: chr14-50667792-T-C.
Other names: short protein forms Q75R.
Identifiers: ClinVar variation 1393313 (VCV001393313.8), dbSNP rs2139783861, ClinGen allele CA389650399.
Genomic context (GRCh38, chr14:50,201,074, plus strand): 5'-TCTATAGCAGATTGTGCATCAGCAATGGCCCATTTATCAATTGGGTGAGGAAAGGTCTTC[T>C]GAACTCGCTCCTGCTCAATCACAGCAGAACCATTGTAGTATTAATAAAAGTGTTCATAAA-3'
Protein context (NP_008870.2, residues 65-85): RTVQDVEERV[Gln75Arg]KTFPHPIDKW

ClinVar aggregate classification (germline): Uncertain significance (1 of 4 stars; one submission).

Conditions:
Noonan syndrome 9 (NS9). Identifiers: Orphanet 648, MedGen C4225282, MONDO:0014691, OMIM 616559.

Submission:

Labcorp Genetics (formerly Invitae), Labcorp
Classification: Uncertain significance for Noonan syndrome 9. Last evaluated: 2021-05-05. Review status: criteria provided, single submitter. Criteria: Invitae Variant Classification Sherloc (09022015). Collection method: clinical testing. Allele origin: germline.
Comment: In summary, the available evidence is currently insufficient to determine the role of this variant in disease. Therefore, it has been classified as a Variant of Uncertain Significance. Algorithms developed to predict the effect of missense changes on protein structure and function (SIFT, PolyPhen-2, Align-GVGD) all suggest that this variant is likely to be tolerated, but these predictions have not been confirmed by published functional studies and their clinical significance is uncertain. This variant has not been reported in the literature in individuals with SOS2-related conditions. This variant is not present in population databases (ExAC no frequency). This sequence change replaces glutamine with arginine at codon 75 of the SOS2 protein (p.Gln75Arg). The glutamine residue is moderately conserved and there is a small physicochemical difference between glutamine and arginine.